The following is an entry in ClinVar:

NM_201384.3(PLEC):c.12863C>T (p.Thr4288Met)

Gene: PLEC (plectin; minus strand). Cytogenetic location: 8q24.3.
Variant type: single nucleotide variant.
Coding change: c.12863C>T on transcript NM_201384.3 (MANE Select); coding-DNA position 12863, C replaced by T.
Protein change: p.Thr4288Met; replaces threonine 4288 with methionine.
Molecular consequence: missense variant.
Genome position (GRCh38, 1-based): chr8:143,916,958, G>A on the plus strand (C>T on the coding strand, the complement: PLEC is on the minus strand). VCF-style: chr8-143916958-G-A. GRCh37 (hg19) VCF-style: chr8-144991126-G-A.
Other names: c.12944C>T, p.Thr4315Met (NM_000445.5); c.12821C>T, p.Thr4274Met (NM_201378.4); c.12797C>T, p.Thr4266Met (NM_201379.3); c.13274C>T, p.Thr4425Met (NM_201380.4); c.12767C>T, p.Thr4256Met (NM_201381.3); c.12863C>T, p.Thr4288Met (NM_201382.4); c.12875C>T, p.Thr4292Met (NM_201383.3); short protein forms T4315M, T4292M, T4256M, T4425M, T4266M, T4274M, T4288M.
Identifiers: ClinVar variation 283401 (VCV000283401.16), dbSNP rs782574559, ClinGen allele CA4923963.
Genomic context (GRCh38, chr8:143,916,958, plus strand): 5'-CCCGTGATGTTATCCACCAGGTTCCGGTGCATGGCCTCGGTGATGGACACCTTCTCCAGC[G>A]TCTCCGTGTCCAGGATGCCAGCCACGGGGCCCGTCTCCTCAGTGGGGTCTGACCAGGAGG-3'
Protein context (NP_958786.1, residues 4278-4298): GPVAGILDTE[Thr4288Met]LEKVSITEAM

ClinVar aggregate classification (germline): Uncertain significance. Review status: criteria provided, multiple submitters, no conflicts (2 of 4 stars). 6 submissions from 6 submitters: Uncertain significance (6). Last evaluated 2025-11-24.

Conditions:
PLEC-related disorder. Also called: PLEC-related condition; PLEC-related disorders.
Epidermolysis bullosa simplex 5C, with pyloric atresia (EBS5C). Also called: PLEC-Related Epidermolysis Bullosa with Pyloric Atresia; Epidermolysis bullosa simplex with pyloric atresia; PLEC1-Related Epidermolysis Bullosa with Pyloric Atresia. Identifiers: Orphanet 158684, MedGen C2677349, MONDO:0012807, OMIM 612138.
Epidermolysis bullosa simplex with nail dystrophy (EBS5D). Identifiers: MedGen C4225309, MONDO:0014661, OMIM 616487.
Autosomal recessive limb-girdle muscular dystrophy type 2Q (LGMDR17). Also called: MUSCULAR DYSTROPHY, LIMB-GIRDLE, AUTOSOMAL RECESSIVE 17. Identifiers: Orphanet 254361, MedGen C3150989, MONDO:0013390, OMIM 613723.
Epidermolysis bullosa simplex, Ogna type (EBS5A). Also called: Pidermolysis bullosa simplex 5A, Ogna type; EPIDERMOLYSIS BULLOSA SIMPLEX 5A, OGNA TYPE. Identifiers: Orphanet 79401, MedGen C0432317, MONDO:0007555, OMIM 131950.
Epidermolysis bullosa simplex 5B, with muscular dystrophy (EBS5B). Also called: EPIDERMOLYSIS BULLOSA SIMPLEX AND LIMB-GIRDLE MUSCULAR DYSTROPHY; Epidermolysis bullosa simplex with muscular dystrophy. Identifiers: Orphanet 257, MedGen C2931072, MONDO:0009181, OMIM 226670.
Inborn genetic diseases. Identifiers: MedGen C0950123, MeSH D030342.

Allele frequency attached by ClinVar (database versions not stated): ExAC 0.00005; gnomAD exomes 0.00005 and 0.00014; TOPMed 0.00007; gnomAD 0.00010.
gnomAD v4.1: 216 of 1,612,856 alleles (0.013%); highest among the groups gnomAD compares: Non-Finnish European, 0.017%; no homozygotes.

Submissions (6):

Labcorp Genetics (formerly Invitae), Labcorp
Classification: Uncertain significance for Autosomal recessive limb-girdle muscular dystrophy type 2Q; Epidermolysis bullosa simplex, Ogna type; Epidermolysis bullosa simplex with nail dystrophy; Epidermolysis bullosa simplex 5C, with pyloric atresia; Epidermolysis bullosa simplex 5B, with muscular dystrophy. Last evaluated: 2025-11-24. Review status: criteria provided, single submitter. Criteria: Invitae Variant Classification Sherloc (09022015). Collection method: clinical testing. Allele origin: germline.
Comment: This sequence change replaces threonine, which is neutral and polar, with methionine, which is neutral and non-polar, at codon 4315 of the PLEC protein (p.Thr4315Met). This variant is present in population databases (rs782574559, gnomAD 0.01%). This variant has not been reported in the literature in individuals affected with PLEC-related conditions. ClinVar contains an entry for this variant (Variation ID: 283401). Invitae Evidence Modeling of protein sequence and biophysical properties (such as structural, functional, and spatial information, amino acid conservation, physicochemical variation, residue mobility, and thermodynamic stability) indicates that this missense variant is not expected to disrupt PLEC protein function with a negative predictive value of 80%. In summary, the available evidence is currently insufficient to determine the role of this variant in disease. Therefore, it has been classified as a Variant of Uncertain Significance.

Ambry Genetics
Classification: Uncertain significance for Inborn genetic diseases. Last evaluated: 2025-08-23. Review status: criteria provided, single submitter. Criteria: Ambry Variant Classification Scheme 2023. Collection method: clinical testing. Allele origin: germline.

PreventionGenetics, part of Exact Sciences
Classification: Uncertain significance for PLEC-related condition. Last evaluated: 2025-01-24. Review status: criteria provided, single submitter. Criteria: ACMG Guidelines, 2015. Collection method: clinical testing. Allele origin: germline.
Comment: The PLEC c.12944C>T variant is predicted to result in the amino acid substitution p.Thr4315Met. To our knowledge, this variant has not been reported in the literature. This variant is reported in 0.0095% of alleles in individuals of European (Non-Finnish) descent in gnomAD. At this time, the clinical significance of this variant is uncertain due to the absence of conclusive functional and genetic evidence.

Athena Diagnostics
Classification: Uncertain significance. Last evaluated: 2020-11-19. Review status: criteria provided, single submitter. Criteria: Athena Diagnostics criteria. Collection method: clinical testing. Allele origin: unknown.

Revvity Omics, Revvity
Classification: Uncertain significance. Last evaluated: 2019-08-17. Review status: criteria provided, single submitter. Criteria: ACMG Guidelines, 2015. Collection method: clinical testing. Allele origin: germline.

Eurofins Ntd Llc (ga)
Classification: Uncertain significance. Last evaluated: 2015-09-22. Review status: criteria provided, single submitter. Criteria: EGL Classification Definitions 2015. Collection method: clinical testing. Allele origin: germline. Observed: 2 variant alleles, 2 heterozygotes.